The following is an entry in ClinVar:

NM_182641.4(BPTF):c.8137C>T (p.Arg2713Trp)

Gene: BPTF (bromodomain PHD finger transcription factor; plus strand). Cytogenetic location: 17q24.2.
Variant type: single nucleotide variant.
Coding change: c.8137C>T on transcript NM_182641.4 (MANE Select); coding-DNA position 8137, C replaced by T.
Protein change: p.Arg2713Trp; replaces arginine 2713 with tryptophan.
Molecular consequence: missense variant.
Genome position (GRCh38, 1-based): chr17:67,959,751, C>T. VCF-style: chr17-67959751-C-T. GRCh37 (hg19) VCF-style: chr17-65955867-C-T.
Other names: c.8326C>T, p.Arg2776Trp (NM_001439139.1); c.8086C>T, p.Arg2696Trp (NM_001439140.1, NM_001439142.1, NM_004459.7); c.8059C>T, p.Arg2687Trp (NM_001439141.1); c.7897C>T, p.Arg2633Trp (NM_001439143.1, NM_001439144.1); short protein forms R2713W, R2776W, R2687W, R2696W, R2633W.
Identifiers: ClinVar variation 4754233 (VCV004754233.1).

ClinVar aggregate classification (germline): Uncertain significance (1 of 4 stars; one submission).

gnomAD v4.1: 18 of 1,613,060 alleles (0.0011%); highest among the groups gnomAD compares: South Asian, 0.0022%; no homozygotes.

Submission:

Labcorp Genetics (formerly Invitae), Labcorp
Classification: Uncertain significance. Last evaluated: 2025-02-10. Review status: criteria provided, single submitter. Criteria: Invitae Variant Classification Sherloc (09022015). Collection method: clinical testing. Allele origin: germline.
Comment: This sequence change replaces arginine, which is basic and polar, with tryptophan, which is neutral and slightly polar, at codon 2696 of the BPTF protein (p.Arg2696Trp). This variant is present in population databases (rs199557757, gnomAD 0.002%). This variant has not been reported in the literature in individuals affected with BPTF-related conditions. An algorithm developed to predict the effect of missense changes on protein structure and function (PolyPhen-2) suggests that this variant is likely to be disruptive. In summary, the available evidence is currently insufficient to determine the role of this variant in disease. Therefore, it has been classified as a Variant of Uncertain Significance.